The following is an entry in ClinVar:

ClinVar aggregate classification (germline): Uncertain significance (1 of 4 stars; one submission).

Conditions:
Inborn genetic diseases. Identifiers: MedGen C0950123, MeSH D030342.

Submission:

Ambry Genetics
Classification: Uncertain significance for Inborn genetic diseases. Last evaluated: 2026-07-07. Review status: criteria provided, single submitter. Criteria: Ambry Variant Classification Scheme 2023. Collection method: clinical testing. Allele origin: germline.
Comment: The p.Q15H variant (also known as c.45G>T), located in coding exon 1 of the WT1 gene, results from a G to T substitution at nucleotide position 45. The glutamine at codon 15 is replaced by histidine, an amino acid with highly similar properties. This amino acid position is conserved. In addition, this alteration is predicted to be tolerated by in silico analysis. Based on the available evidence, the clinical significance of this variant remains unclear.

NM_024426.6(WT1):c.60G>T (p.Gln20His)

Genes: WT1 (WT1 transcription factor; minus strand), LOC107982234 (WT1/WT1-AS bi-directional promoter region; plus strand). Cytogenetic location: 11p13.
Variant type: single nucleotide variant.
Coding change: c.60G>T on transcript NM_024426.6 (MANE Select); coding-DNA position 60, G replaced by T.
Protein change: p.Gln20His; replaces glutamine 20 with histidine.
Molecular consequence: missense variant. On other transcripts: 5 prime UTR variant (4), non-coding transcript variant (2).
Genome position (GRCh38, 1-based): chr11:32,435,301, C>A on the plus strand (G>T on the coding strand, the complement: WT1 is on the minus strand). VCF-style: chr11-32435301-C-A. GRCh37 (hg19) VCF-style: chr11-32456847-C-A.
Other names: c.60G>T, p.Gln20His (NM_000378.6, NM_001407044.1, NM_001407045.1 and 6 more transcripts); c.-160G>T (NM_001429031.1, NM_001429032.1, NM_001429033.1 and 1 more transcripts); short protein forms Q15H, Q20H.
Identifiers: ClinVar variation 5032042 (VCV005032042.1).